The following is an entry in ClinVar:

NM_001379081.2(FREM1):c.923A>G (p.Asp308Gly)

Gene: FREM1 (FRAS1 related extracellular matrix 1; minus strand). Cytogenetic location: 9p22.3.
Variant type: single nucleotide variant.
Coding change: c.923A>G on transcript NM_001379081.2 (MANE Select); coding-DNA position 923, A replaced by G.
Protein change: p.Asp308Gly; replaces aspartic acid 308 with glycine.
Molecular consequence: missense variant. On other transcripts: non-coding transcript variant (4).
Genome position (GRCh38, 1-based): chr9:14,851,513, T>C on the plus strand (A>G on the coding strand, the complement: FREM1 is on the minus strand). VCF-style: chr9-14851513-T-C. GRCh37 (hg19) VCF-style: chr9-14851511-T-C.
Other names: c.950A>G, p.Asp317Gly (NM_001370060.1); c.923A>G, p.Asp308Gly (NM_001370063.1, NM_001370065.1, NM_144966.7); short protein forms D308G, D317G.
Identifiers: ClinVar variation 1928138 (VCV001928138.2), dbSNP rs543853641, ClinGen allele CA4991409.

ClinVar aggregate classification (germline): Uncertain significance (1 of 4 stars; one submission).

Allele frequency attached by ClinVar (database versions not stated): gnomAD 0.00001; gnomAD exomes 0.00001; ExAC 0.00002; 1000 Genomes Project 30x 0.00016; 1000 Genomes Project 0.00020.
gnomAD v4.1: 11 of 1,613,892 alleles (0.00068%); highest among the groups gnomAD compares: East Asian, 0.022%; no homozygotes.

Submission:

Labcorp Genetics (formerly Invitae), Labcorp
Classification: Uncertain significance. Last evaluated: 2022-06-23. Review status: criteria provided, single submitter. Criteria: Invitae Variant Classification Sherloc (09022015). Collection method: clinical testing. Allele origin: germline.
Comment: This sequence change replaces aspartic acid, which is acidic and polar, with glycine, which is neutral and non-polar, at codon 308 of the FREM1 protein (p.Asp308Gly). This variant is present in population databases (rs543853641, gnomAD 0.05%). This variant has not been reported in the literature in individuals affected with FREM1-related conditions. Algorithms developed to predict the effect of missense changes on protein structure and function are either unavailable or do not agree on the potential impact of this missense change (SIFT: "Deleterious"; PolyPhen-2: "Probably Damaging"; Align-GVGD: "Class C0"). In summary, the available evidence is currently insufficient to determine the role of this variant in disease. Therefore, it has been classified as a Variant of Uncertain Significance.